The following is an entry in ClinVar:

ClinVar aggregate classification (germline): Pathogenic (1 of 4 stars; one submission).

Conditions:
Curry-Hall syndrome (WAD). Also called: WEYERS ACRODENTAL DYSOSTOSIS. Identifiers: Orphanet 952, MedGen C0457013, MONDO:0008673, OMIM 193530.
Ellis-van Creveld syndrome (EVC). Also called: EVC-Related Ellis-van Creveld Syndrome; EVC2-Related Ellis-van Creveld Syndrome; MESOECTODERMAL DYSPLASIA; Chondroectodermal dysplasia. Identifiers: Orphanet 289, MedGen C0013903, MONDO:0009162, OMIM 225500.

gnomAD v4.1: 2 of 1,614,142 alleles (0.00012%); highest among the groups gnomAD compares: Non-Finnish European, 0.00017%; no homozygotes.

Submission:

Labcorp Genetics (formerly Invitae), Labcorp
Classification: Pathogenic for Curry-Hall syndrome; Ellis-van Creveld syndrome. Last evaluated: 2021-12-01. Review status: criteria provided, single submitter. Criteria: Invitae Variant Classification Sherloc (09022015). Collection method: clinical testing. Allele origin: germline.
Comment: ClinVar contains an entry for this variant (Variation ID: 1071133). This variant has not been reported in the literature in individuals affected with EVC2-related conditions. This variant is present in population databases (no rsID available, gnomAD 0.0009%). This sequence change creates a premature translational stop signal (p.Ser966*) in the EVC2 gene. It is expected to result in an absent or disrupted protein product. Loss-of-function variants in EVC2 are known to be pathogenic (PMID: 17024374, 19810119, 19876929). For these reasons, this variant has been classified as Pathogenic.

Literature cited by the submitters: PubMed 17024374; PubMed 19810119; PubMed 19876929.

NM_147127.5(EVC2):c.2897C>A (p.Ser966Ter)

Gene: EVC2 (EvC ciliary complex subunit 2; minus strand). Cytogenetic location: 4p16.2.
Variant type: single nucleotide variant.
Coding change: c.2897C>A on transcript NM_147127.5 (MANE Select); coding-DNA position 2897, C replaced by A.
Protein change: p.Ser966Ter; replaces serine 966 with a stop codon.
Molecular consequence: nonsense.
Genome position (GRCh38, 1-based): chr4:5,584,783, G>T on the plus strand (C>A on the coding strand, the complement: EVC2 is on the minus strand). VCF-style: chr4-5584783-G-T. GRCh37 (hg19) VCF-style: chr4-5586510-G-T.
Other names: c.2657C>A, p.Ser886Ter (NM_001166136.2); short protein forms S886*, S966*.
Identifiers: ClinVar variation 1071133 (VCV001071133.8), dbSNP rs145425340, ClinGen allele CA356154792.